The following is an entry in ClinVar:

NM_001384474.1(LOXHD1):c.6357del (p.Cys2119fs)

Gene: LOXHD1 (lipoxygenase homology PLAT domains 1; minus strand). Cytogenetic location: 18q21.1.
Variant type: Deletion.
Coding change: c.6357del on transcript NM_001384474.1 (MANE Select); coding-DNA position 6357, one base deleted (T; older notation c.6357delT).
Protein change: p.Cys2119fs; shifts the reading frame from cysteine 2119.
Molecular consequence: frameshift variant.
Genome position (GRCh38, 1-based): chr18:46,477,937, A deleted on the plus strand (T on the coding strand, the reverse complement: LOXHD1 is on the minus strand). VCF-style (leftmost placement, unchanged base first): chr18-46477936-CA-C. GRCh37 (hg19) VCF-style: chr18-44057899-CA-C.
Other names: c.3024del, p.Cys1008fs (NM_001145472.3); c.1074del, p.Cys358fs (NM_001145473.3, NM_001173129.2); c.2736del, p.Cys912fs (NM_001308013.2); c.6171del, p.Cys2057fs (NM_144612.7); short protein forms C2057fs, C2119fs, C358fs, C1008fs, C912fs.
Identifiers: ClinVar variation 1420309 (VCV001420309.6), dbSNP rs2143430597, ClinGen allele CA2573155268.

ClinVar aggregate classification (germline): Pathogenic (1 of 4 stars; one submission).

Submission:

Labcorp Genetics (formerly Invitae), Labcorp
Classification: Pathogenic. Last evaluated: 2021-11-05. Review status: criteria provided, single submitter. Criteria: Invitae Variant Classification Sherloc (09022015). Collection method: clinical testing. Allele origin: germline.
Comment: This variant has not been reported in the literature in individuals affected with LOXHD1-related conditions. For these reasons, this variant has been classified as Pathogenic. This variant disrupts a region of the LOXHD1 protein in which other variant(s) (p.Gly2118Glu) have been determined to be pathogenic (PMID: 29676012). This suggests that this is a clinically significant region of the protein, and that variants that disrupt it are likely to be disease-causing. This variant is not present in population databases (gnomAD no frequency). This sequence change creates a premature translational stop signal (p.Cys2057Trpfs*42) in the LOXHD1 gene. While this is not anticipated to result in nonsense mediated decay, it is expected to disrupt the last 155 amino acid(s) of the LOXHD1 protein.

Literature cited by the submitters: PubMed 29676012.